The following is an entry in ClinVar:

NM_000535.7(PMS2):c.2016del (p.Met672fs)

Gene: PMS2 (PMS1 homolog 2, mismatch repair system component; minus strand). Cytogenetic location: 7p22.1.
Variant type: Deletion.
Coding change: c.2016del on transcript NM_000535.7 (MANE Select); coding-DNA position 2016, one base deleted (G; older notation c.2016delG).
Protein change: p.Met672fs; shifts the reading frame from methionine 672.
Molecular consequence: frameshift variant. On other transcripts: non-coding transcript variant (1).
Genome position (GRCh38, 1-based): chr7:5,982,982, C deleted on the plus strand (G on the coding strand, the reverse complement: PMS2 is on the minus strand). VCF-style (leftmost placement, unchanged base first): chr7-5982981-AC-A. GRCh37 (hg19) VCF-style: chr7-6022612-AC-A.
Other names: c.1611del, p.Met537fs (NM_001322003.2, NM_001322004.2, NM_001322005.2 and 1 more transcripts); c.1860del, p.Met620fs (NM_001322006.2); c.1698del, p.Met566fs (NM_001322007.2, NM_001322008.2); c.1455del, p.Met485fs (NM_001322010.2); c.1083del, p.Met361fs (NM_001322011.2, NM_001322012.2); c.1443del, p.Met481fs (NM_001322013.2); c.2016del, p.Met672fs (NM_001322014.2); c.1707del, p.Met569fs (NM_001322015.2); short protein forms M361fs, M481fs, M485fs, M569fs, M537fs, M566fs, M620fs, M672fs.
Identifiers: ClinVar variation 455681 (VCV000455681.10), dbSNP rs1554295967, ClinGen allele CA658655965.

ClinVar aggregate classification (germline): Pathogenic. Review status: criteria provided, multiple submitters, no conflicts (2 of 4 stars). 2 submissions from 2 submitters: Pathogenic (2). Last evaluated 2023-11-13.

Conditions:
Lynch syndrome 4 (LYNCH4). Also called: Colorectal cancer, hereditary nonpolyposis, type 4; Hereditary non-polyposis colorectal cancer, type 4. Identifiers: Orphanet 144, MedGen C1838333, MONDO:0013699, OMIM 614337. Disease mechanism: loss of function.
Hereditary nonpolyposis colorectal neoplasms. Identifiers: MedGen C0009405, MeSH D003123.

Submissions (2):

Labcorp Genetics (formerly Invitae), Labcorp
Classification: Pathogenic for Hereditary nonpolyposis colorectal neoplasms. Last evaluated: 2023-11-13. Review status: criteria provided, single submitter. Criteria: Invitae Variant Classification Sherloc (09022015). Collection method: clinical testing. Allele origin: germline.
Comment: This sequence change creates a premature translational stop signal (p.Met672Ilefs*16) in the PMS2 gene. It is expected to result in an absent or disrupted protein product. Loss-of-function variants in PMS2 are known to be pathogenic (PMID: 21376568, 24362816). The frequency data for this variant in the population databases (gnomAD) is considered unreliable due to the presence of homologous sequence, such as pseudogenes or paralogs, in the genome. This premature translational stop signal has been observed in individual(s) with clinical features of Lynch syndrome (PMID: 28874130). ClinVar contains an entry for this variant (Variation ID: 455681). For these reasons, this variant has been classified as Pathogenic.

Myriad Genetics, Inc.
Classification: Pathogenic for Lynch syndrome 4. Last evaluated: 2023-01-12. Review status: criteria provided, single submitter. Criteria: Myriad Autosomal Dominant, Autosomal Recessive and X-Linked Classification Criteria (2023). Collection method: clinical testing. Allele origin: unknown.
Comment: This variant is considered pathogenic. This variant creates a frameshift predicted to result in premature protein truncation.

Literature cited by the submitters: PubMed 21376568 (cited by Labcorp Genetics (formerly Invitae), Labcorp); PubMed 24362816 (cited by Labcorp Genetics (formerly Invitae), Labcorp); PubMed 28874130 (cited by Labcorp Genetics (formerly Invitae), Labcorp).